The following is an entry in ClinVar:

ClinVar aggregate classification (germline): Uncertain significance (1 of 4 stars; one submission).

Conditions:
Combined oxidative phosphorylation defect type 17. Also called: Combined oxidative phosphorylation deficiency 17. Identifiers: Orphanet 369913, MedGen C3809526, MONDO:0014190, OMIM 615440.

Submission:

Labcorp Genetics (formerly Invitae), Labcorp
Classification: Uncertain significance for Combined oxidative phosphorylation defect type 17. Last evaluated: 2021-07-08. Review status: criteria provided, single submitter. Criteria: Invitae Variant Classification Sherloc (09022015). Collection method: clinical testing. Allele origin: germline.
Comment: This sequence change replaces serine with asparagine at codon 413 of the ELAC2 protein (p.Ser413Asn). The serine residue is weakly conserved and there is a small physicochemical difference between serine and asparagine. This variant is not present in population databases (ExAC no frequency). This variant has not been reported in the literature in individuals affected with ELAC2-related conditions. Algorithms developed to predict the effect of missense changes on protein structure and function (SIFT, PolyPhen-2, Align-GVGD) all suggest that this variant is likely to be tolerated. In summary, the available evidence is currently insufficient to determine the role of this variant in disease. Therefore, it has been classified as a Variant of Uncertain Significance.

NM_018127.7(ELAC2):c.1238G>A (p.Ser413Asn)

Gene: ELAC2 (elaC ribonuclease Z 2; minus strand). Cytogenetic location: 17p12.
Variant type: single nucleotide variant.
Coding change: c.1238G>A on transcript NM_018127.7 (MANE Select); coding-DNA position 1238, G replaced by A.
Protein change: p.Ser413Asn; replaces serine 413 with asparagine.
Molecular consequence: missense variant.
Genome position (GRCh38, 1-based): chr17:13,002,340, C>T on the plus strand (G>A on the coding strand, the complement: ELAC2 is on the minus strand). VCF-style: chr17-13002340-C-T. GRCh37 (hg19) VCF-style: chr17-12905657-C-T.
Other names: c.1118G>A, p.Ser373Asn (NM_001165962.2); c.1235G>A, p.Ser412Asn (NM_173717.2); short protein forms S412N, S373N, S413N.
Identifiers: ClinVar variation 1398307 (VCV001398307.8), dbSNP rs1446980653, ClinGen allele CA398225235.